The following is an entry in ClinVar:

NM_001033855.3(DCLRE1C):c.413G>C (p.Arg138Thr)

Gene: DCLRE1C (DNA cross-link repair 1C; minus strand). Cytogenetic location: 10p13.
Variant type: single nucleotide variant.
Coding change: c.413G>C on transcript NM_001033855.3 (MANE Select); coding-DNA position 413, G replaced by C.
Protein change: p.Arg138Thr; replaces arginine 138 with threonine.
Molecular consequence: missense variant. On other transcripts: non-coding transcript variant (4).
Genome position (GRCh38, 1-based): chr10:14,935,514, C>G on the plus strand (G>C on the coding strand, the complement: DCLRE1C is on the minus strand). VCF-style: chr10-14935514-C-G. GRCh37 (hg19) VCF-style: chr10-14977513-C-G.
Other names: c.53G>C, p.Arg18Thr (NM_001033857.3, NM_001033858.3, NM_001289077.2 and 2 more transcripts); c.68G>C, p.Arg23Thr (NM_001289076.2, NM_001289078.2, NM_001350966.2 and 1 more transcripts); c.413G>C, p.Arg138Thr (NM_001350965.2); short protein forms R138T, R18T, R23T.
Identifiers: ClinVar variation 1708142 (VCV001708142.1), dbSNP rs2492040262, ClinGen allele CA376060130.

ClinVar aggregate classification (germline): Likely pathogenic (1 of 4 stars; one submission).

Conditions:
Severe combined immunodeficiency due to DCLRE1C deficiency (RS-SCID). Also called: SCID, AUTOSOMAL RECESSIVE, T CELL-NEGATIVE, B CELL-NEGATIVE, NK CELL-POSITIVE, WITH SENSITIVITY TO IONIZING RADIATION. Identifiers: Orphanet 275, MedGen C1865371, MONDO:0011225, OMIM 602450.

Submission:

Laboratory of Medical Genetics, National & Kapodistrian University of Athens
Classification: Likely pathogenic for Severe combined immunodeficiency due to DCLRE1C deficiency. Last evaluated: 2022-02-24. Review status: criteria provided, single submitter. Criteria: ACMG Guidelines, 2015. Collection method: clinical testing. Allele origin: paternal. Affected: yes.
Comment: PM2, PM3, PP3, PP4